The following is an entry in ClinVar:

ClinVar aggregate classification (germline): Uncertain significance (1 of 4 stars; one submission).

Conditions:
Wilms tumor 1 (WT1). Also called: Wilms tumor, somatic. Identifiers: Orphanet 654, MedGen CN033288, MONDO:0008679, OMIM 194070.

Submission:

Labcorp Genetics (formerly Invitae), Labcorp
Classification: Uncertain significance for Wilms tumor 1. Last evaluated: 2025-08-29. Review status: criteria provided, single submitter. Criteria: Invitae Variant Classification Sherloc (09022015). Collection method: clinical testing. Allele origin: germline.
Comment: This sequence change replaces alanine, which is neutral and non-polar, with serine, which is neutral and polar, at codon 114 of the GPC3 protein (p.Ala114Ser). This variant is not present in population databases (gnomAD no frequency). This variant has not been reported in the literature in individuals affected with GPC3-related conditions. An algorithm developed to predict the effect of missense changes on protein structure and function (PolyPhen-2) suggests that this variant is likely to be disruptive. In summary, the available evidence is currently insufficient to determine the role of this variant in disease. Therefore, it has been classified as a Variant of Uncertain Significance.

NM_004484.4(GPC3):c.340G>T (p.Ala114Ser)

Gene: GPC3 (glypican 3; minus strand). Cytogenetic location: Xq26.2.
Variant type: single nucleotide variant.
Coding change: c.340G>T on transcript NM_004484.4 (MANE Select); coding-DNA position 340, G replaced by T.
Protein change: p.Ala114Ser; replaces alanine 114 with serine.
Molecular consequence: missense variant.
Genome position (GRCh38, 1-based): chrX:133,754,174, C>A on the plus strand (G>T on the coding strand, the complement: GPC3 is on the minus strand). VCF-style: chrX-133754174-C-A. GRCh37 (hg19) VCF-style: chrX-132888201-C-A.
Other names: c.340G>T, p.Ala114Ser (NM_001164617.2); c.292G>T, p.Ala98Ser (NM_001164618.2); c.178G>T, p.Ala60Ser (NM_001164619.2); short protein forms A114S, A60S, A98S.
Identifiers: ClinVar variation 4734488 (VCV004734488.1).